The following is an entry in ClinVar:

ClinVar aggregate classification (germline): Uncertain significance (1 of 4 stars; one submission).

Submission:

CeGaT Center for Human Genetics Tuebingen
Classification: Uncertain significance. Last evaluated: 2022-06-01. Review status: criteria provided, single submitter. Criteria: CeGaT Center For Human Genetics Tuebingen Variant Classification Criteria Version 2. Collection method: clinical testing. Allele origin: germline. Affected: yes. Observed: 1 variant allele.
Comment: CHIC1: PM2

NM_001039840.4(CHIC1):c.162_176del (p.Glu64_Glu68del)

Gene: CHIC1 (cysteine rich hydrophobic domain 1; plus strand). Cytogenetic location: Xq13.2.
Variant type: Deletion.
Coding change: c.162_176del on transcript NM_001039840.4 (MANE Select); coding-DNA positions 162 to 176, 15 bases deleted (GGAGGAGGAGGAAGA).
Protein change: p.Glu64_Glu68del.
Molecular consequence: inframe deletion.
Genome position (GRCh38, 1-based): chrX:73,563,446-73,563,460, GGAGGAGGAGGAAGA deleted; deleting any 15 consecutive bases within chrX:73,563,435-73,563,460 gives the same sequence; the c. name uses the placement nearest the transcript's 3' end. VCF-style (leftmost placement, unchanged base first): chrX-73563434-AGAGGAGGAAGAGGAG-A. GRCh37 (hg19) VCF-style: chrX-72783270-AGAGGAGGAAGAGGAG-A.
Other names: c.162_176del, p.Glu64_Glu68del (NM_001300884.1).
Identifiers: ClinVar variation 2660923 (VCV002660923.24), dbSNP rs2519718663, ClinGen allele CA2694099826.
Genomic context (GRCh38, chrX:73,563,434, plus strand): 5'-GTCGCCGTCGTCGTCGTCGTCGGTATCTGGGCCCGACGATGACGAGGAGGATGAGGAGGA[AGAGGAGGAAGAGGAG>A]GAGGAGGAAGAAGAGGAGGAGGAGGAAGAGGAGGAGGAAGCGCCGCCCCCGCCTCGGGTA-3'